The following is an entry in ClinVar:

NM_007294.4(BRCA1):c.5169T>G (p.Ile1723Met)

Gene: BRCA1 (BRCA1 DNA repair associated; minus strand). Cytogenetic location: 17q21.31.
Variant type: single nucleotide variant.
Coding change: c.5169T>G on transcript NM_007294.4 (MANE Select); coding-DNA position 5169, T replaced by G.
Protein change: p.Ile1723Met; replaces isoleucine 1723 with methionine.
Molecular consequence: missense variant. On other transcripts: non-coding transcript variant (1).
Genome position (GRCh38, 1-based): chr17:43,063,357, A>C on the plus strand (T>G on the coding strand, the complement: BRCA1 is on the minus strand). VCF-style: chr17-43063357-A-C. GRCh37 (hg19) VCF-style: chr17-41215374-A-C.
Other names: c.4956T>G, p.Ile1652Met (NM_001407571.1, NM_001407900.1, NM_001407902.1 and 12 more transcripts); c.5235T>G, p.Ile1745Met (NM_001407581.1, NM_001407582.1); c.5232T>G, p.Ile1744Met (NM_001407583.1, NM_001407585.1, NM_001407587.1 and 1 more transcripts); c.5166T>G, p.Ile1722Met (NM_001407610.1, NM_001407611.1, NM_001407612.1 and 17 more transcripts); c.5163T>G, p.Ile1721Met (NM_001407629.1, NM_001407630.1, NM_001407631.1 and 14 more transcripts); c.5109T>G, p.Ile1703Met (NM_001407649.1); c.5091T>G, p.Ile1697Met (NM_001407652.1, NM_001407653.1, NM_001407654.1 and 1 more transcripts); c.5088T>G, p.Ile1696Met (NM_001407656.1, NM_001407657.1, NM_001407658.1); and 72 more; short protein forms I1676M, I1744M, I1723M, I619M, I1427M, I1612M, I1633M, I1635M.
Identifiers: ClinVar variation 867432 (VCV000867432.3), dbSNP rs2051864221, ClinGen allele CA10591207.

Conditions:
Breast-ovarian cancer, familial, susceptibility to, 1 (BROVCA1). Also called: BRCA1 Hereditary Breast and Ovarian Cancer; OVARIAN CANCER, SUSCEPTIBILITY TO. Identifiers: Orphanet 145, MedGen C2676676, MONDO:0011450, OMIM 604370. Disease mechanism: loss of function.

Submission:

Brotman Baty Institute, University of Washington
No classification provided (evidence only). Condition: Breast-ovarian cancer, familial 1. Review status: no classification provided. Collection method: in vitro. Allele origin: not applicable. Functional consequence: functionally_normal.
ClinVar note: "not provided" was previously submitted as the classification for the variant. However, the classification appeared to be based only on an observation of functional data so it was converted to no classification on 2025-07-30.